The following is an entry in ClinVar:

ClinVar aggregate classification (germline): Benign/Likely benign. Review status: criteria provided, multiple submitters, no conflicts (2 of 4 stars). 8 submissions from 7 submitters: Benign (3); Likely benign (4). 1 of the submissions does not count toward it. Last evaluated 2026-02-03.

Conditions:
AGK-related disorder. Also called: AGK-related disorders; AGK-related condition. Identifiers: MedGen CN239194.
Sengers syndrome. Also called: Cardiomyopathy and cataract; MITOCHONDRIAL DNA DEPLETION SYNDROME 10 (CARDIOMYOPATHIC TYPE). Identifiers: Orphanet 1369, MedGen C1859317, MONDO:0008922, OMIM 212350.
Cataract 38. Also called: Cataract, autosomal recessive congenital 5; Cataract 38, autosomal recessive. Identifiers: Orphanet 91492, MedGen C3553494, MONDO:0013859, OMIM 614691.

Allele frequency attached by ClinVar (database versions not stated): gnomAD exomes 0.00071 and 0.00151; ExAC 0.00146; gnomAD 0.00221 and 0.00226; ESP Exome Variant Server 0.00261; TOPMed 0.00278; 1000 Genomes Project 0.00319; 1000 Genomes Project 30x 0.00406.
gnomAD v4.1: 1,491 of 1,614,026 alleles (0.092%); highest among the groups gnomAD compares: African/African-American, 0.52%; 9 homozygotes.

Submissions (8):

Labcorp Genetics (formerly Invitae), Labcorp
Classification: Benign for Sengers syndrome; Cataract 38. Last evaluated: 2026-02-03. Review status: criteria provided, single submitter. Criteria: Invitae Variant Classification Sherloc (09022015). Collection method: clinical testing. Allele origin: germline.

CeGaT Center for Human Genetics Tuebingen
Classification: Benign. Last evaluated: 2025-06-01. Review status: criteria provided, single submitter. Criteria: CeGaT Center For Human Genetics Tuebingen Variant Classification Criteria Version 2. Collection method: clinical testing. Allele origin: germline. Affected: yes. Observed: 2 variant alleles.
Comment: AGK: BS1, BS2

Blueprint Genetics
Classification: Likely benign. Last evaluated: 2024-10-25. Review status: criteria provided, single submitter. Criteria: ACMG Guidelines, 2015. Collection method: clinical testing. Allele origin: germline.

GeneDx
Classification: Benign. Last evaluated: 2019-02-08. Review status: criteria provided, single submitter. Criteria: GeneDx Variant Classification Process June 2021. Collection method: clinical testing. Allele origin: germline. Affected: yes.

Illumina Laboratory Services, Illumina
Classification: Likely benign for Sengers syndrome. Last evaluated: 2018-01-13. Review status: criteria provided, single submitter. Criteria: ICSL Variant Classification Criteria 13 December 2019. Collection method: clinical testing. Allele origin: germline.
Comment: This variant was observed in the ICSL laboratory as part of a predisposition screen in an ostensibly healthy population. It had not been previously curated by ICSL or reported in the Human Gene Mutation Database (HGMD: prior to June 1st, 2018), and was therefore a candidate for classification through an automated scoring system. Utilizing variant allele frequency, disease prevalence and penetrance estimates, and inheritance mode, an automated score was calculated to assess if this variant is too frequent to cause the disease. Based on the score and internal cut-off values, a variant classified as likely benign is not then subjected to further curation. The score for this variant resulted in a classification of likely benign for this disease.

Illumina Laboratory Services, Illumina
Classification: Likely benign for Cataract 38. Last evaluated: 2018-01-13. Review status: criteria provided, single submitter. Criteria: ICSL Variant Classification Criteria 13 December 2019. Collection method: clinical testing. Allele origin: germline.
Comment: the same text as in the submission from Illumina Laboratory Services, Illumina above.

Breakthrough Genomics
Classification: Likely benign. Review status: criteria provided, single submitter. Criteria: ACMG Guidelines, 2015. Collection method: not provided. Allele origin: germline. Inheritance: Autosomal recessive inheritance. Affected: yes.

PreventionGenetics, part of Exact Sciences
Classification: Benign for AGK-related condition. Last evaluated: 2024-03-14. Review status: no assertion criteria provided. Collection method: clinical testing. Allele origin: germline. Not counted in ClinVar's aggregate classification.
Comment: This variant is classified as benign based on ACMG/AMP sequence variant interpretation guidelines (Richards et al. 2015 PMID: 25741868, with internal and published modifications).

NM_018238.4(AGK):c.17A>G (p.Lys6Arg)

Gene: AGK (acylglycerol kinase; plus strand). Cytogenetic location: 7q34.
Variant type: single nucleotide variant.
Coding change: c.17A>G on transcript NM_018238.4 (MANE Select); coding-DNA position 17, A replaced by G.
Protein change: p.Lys6Arg; replaces lysine 6 with arginine.
Molecular consequence: missense variant.
Genome position (GRCh38, 1-based): chr7:141,555,483, A>G. VCF-style: chr7-141555483-A-G. GRCh37 (hg19) VCF-style: chr7-141255283-A-G.
Other names: p.K6R:AAA>AGA; c.17A>G, p.Lys6Arg (NM_001364948.3); short protein forms K6R.
Identifiers: ClinVar variation 214064 (VCV000214064.41), dbSNP rs148294392, ClinGen allele CA324541.